The following is an entry in ClinVar:

ClinVar aggregate classification (germline): Benign (1 of 4 stars; one submission).

Conditions:
Qualitative or quantitative defects of delta-sarcoglycan. Identifiers: Orphanet 207070, MedGen C5680806, MONDO:0016144.

Allele frequency attached by ClinVar (database versions not stated): gnomAD 0.00051 and 0.00129; TOPMed 0.00067; 1000 Genomes Project 0.00399; 1000 Genomes Project 30x 0.00468.

Submission:

Illumina Laboratory Services, Illumina
Classification: Benign for Qualitative or quantitative defects of delta-sarcoglycan. Last evaluated: 2018-01-13. Review status: criteria provided, single submitter. Criteria: ICSL Variant Classification Criteria 13 December 2019. Collection method: clinical testing. Allele origin: germline.
Comment: This variant was observed in the ICSL laboratory as part of a predisposition screen in an ostensibly healthy population. It had not been previously curated by ICSL or reported in the Human Gene Mutation Database (HGMD: prior to June 1st, 2018), and was therefore a candidate for classification through an automated scoring system. Utilizing variant allele frequency, disease prevalence and penetrance estimates, and inheritance mode, an automated score was calculated to assess if this variant is too frequent to cause the disease. Based on the score and internal cut-off values, a variant classified as benign is not then subjected to further curation. The score for this variant resulted in a classification of benign for this disease.

NM_000337.6(SGCD):c.*5226G>A

Gene: SGCD (sarcoglycan delta; plus strand). Cytogenetic location: 5q33.3.
Variant type: single nucleotide variant.
Coding change: c.*5226G>A on transcript NM_000337.6 (MANE Select); 5226 bases downstream of the stop codon, G replaced by A.
Molecular consequence: 3 prime UTR variant.
Genome position (GRCh38, 1-based): chr5:156,764,616, G>A. VCF-style: chr5-156764616-G-A. GRCh37 (hg19) VCF-style: chr5-156191627-G-A.
Other names: c.*5226G>A (NM_001128209.2).
Identifiers: ClinVar variation 352403 (VCV000352403.6), dbSNP rs552358256, ClinGen allele CA10621050.